The following is an entry in ClinVar:

ClinVar aggregate classification (germline): Conflicting classifications of pathogenicity. Review status: criteria provided, conflicting classifications (1 of 4 stars). 3 submissions from 3 submitters: Uncertain significance (1); Likely benign (2). Last evaluated 2025-12-08.

Conditions:
Bethlem myopathy 1A. Also called: Bethlem myopathy 1; Bethlem Muscular Dystrophy; MYOPATHY, BENIGN CONGENITAL, WITH CONTRACTURES. Identifiers: Orphanet 610, MedGen CN029274, MONDO:0024530, OMIM 158810.

Allele frequency attached by ClinVar (database versions not stated): gnomAD exomes 0.00004; ExAC 0.00007; gnomAD 0.00012 and 0.00013; TOPMed 0.00012; 1000 Genomes Project 30x 0.00016; 1000 Genomes Project 0.00020.
gnomAD v4.1: 83 of 1,602,532 alleles (0.0052%); highest among the groups gnomAD compares: Middle Eastern, 0.033%; no homozygotes.

Submissions (3):

Labcorp Genetics (formerly Invitae), Labcorp
Classification: Likely benign for Bethlem myopathy 1A. Last evaluated: 2025-12-08. Review status: criteria provided, single submitter. Criteria: Invitae Variant Classification Sherloc (09022015). Collection method: clinical testing. Allele origin: germline.

CeGaT Center for Human Genetics Tuebingen
Classification: Likely benign. Last evaluated: 2025-11-01. Review status: criteria provided, single submitter. Criteria: CeGaT Center For Human Genetics Tuebingen Variant Classification Criteria Version 2. Collection method: clinical testing. Allele origin: germline. Affected: yes. Observed: 1 variant allele.
Comment: COL6A2: BP4, BP7

Eurofins Ntd Llc (ga)
Classification: Uncertain significance. Last evaluated: 2017-07-12. Review status: criteria provided, single submitter. Criteria: EGL Classification Definitions 2015. Collection method: clinical testing. Allele origin: germline. Observed: 3 variant alleles, 3 heterozygotes.

NM_001849.4(COL6A2):c.2748C>T (p.His916=)

Gene: COL6A2 (collagen type VI alpha 2 chain; plus strand). Cytogenetic location: 21q22.3.
Variant type: single nucleotide variant.
Coding change: c.2748C>T on transcript NM_001849.4 (MANE Select); coding-DNA position 2748, C replaced by T.
Protein change: p.His916=; no amino-acid change (histidine 916 retained).
Molecular consequence: synonymous variant.
Genome position (GRCh38, 1-based): chr21:46,132,240, C>T. VCF-style: chr21-46132240-C-T. GRCh37 (hg19) VCF-style: chr21-47552154-C-T.
Identifiers: ClinVar variation 290194 (VCV000290194.19), dbSNP rs372206114, ClinGen allele CA10073003.
Genomic context (GRCh38, chr21:46,132,240, plus strand): 5'-CAACCTCACGGCCATCCACGAGGCGCTGGAGACCACACAATACCTGAACTCCTTCTCGCA[C>T]GTGGGCGCAGGCGTGGTGCACGCCATCAATGCCATCGTGCGCAGCCCGCGTGGCGGGGCC-3'
Protein context (NP_001840.3, residues 906-926): ETTQYLNSFS[His916=]VGAGVVHAIN